The following is an entry in ClinVar:

ClinVar aggregate classification (germline): Uncertain significance (1 of 4 stars; one submission).

Conditions:
Gorlin syndrome. Also called: Nevoid Basal Cell Carcinoma Syndrome; Basal cell nevus syndrome. Identifiers: Orphanet 377, MedGen C0004779, MONDO:0007187.
Medulloblastoma (MDB). Also called: MEDULLOBLASTOMA PREDISPOSITION SYNDROME; Medulloblastoma, somatic. Identifiers: Orphanet 616, MedGen C0025149, MeSH D008527, MONDO:0007959, OMIM 155255, HP:0002885.

Submission:

Labcorp Genetics (formerly Invitae), Labcorp
Classification: Uncertain significance for Gorlin syndrome; Medulloblastoma. Last evaluated: 2022-08-31. Review status: criteria provided, single submitter. Criteria: Invitae Variant Classification Sherloc (09022015). Collection method: clinical testing. Allele origin: germline.
Comment: In summary, the available evidence is currently insufficient to determine the role of this variant in disease. Therefore, it has been classified as a Variant of Uncertain Significance. Algorithms developed to predict the effect of missense changes on protein structure and function are either unavailable or do not agree on the potential impact of this missense change (SIFT: "Deleterious"; PolyPhen-2: "Possibly Damaging"; Align-GVGD: "Class C0"). ClinVar contains an entry for this variant (Variation ID: 1411351). This variant has not been reported in the literature in individuals affected with SUFU-related conditions. This variant is not present in population databases (gnomAD no frequency). This sequence change replaces aspartic acid, which is acidic and polar, with asparagine, which is neutral and polar, at codon 446 of the SUFU protein (p.Asp446Asn).

NM_016169.4(SUFU):c.1336G>A (p.Asp446Asn)

Gene: SUFU (SUFU negative regulator of hedgehog signaling; plus strand). Cytogenetic location: 10q24.32.
Variant type: single nucleotide variant.
Coding change: c.1336G>A on transcript NM_016169.4 (MANE Select); coding-DNA position 1336, G replaced by A.
Protein change: p.Asp446Asn; replaces aspartic acid 446 with asparagine.
Molecular consequence: missense variant.
Genome position (GRCh38, 1-based): chr10:102,627,214, G>A. VCF-style: chr10-102627214-G-A. GRCh37 (hg19) VCF-style: chr10-104386971-G-A.
Other names: short protein forms D446N.
Identifiers: ClinVar variation 1411351 (VCV001411351.8), dbSNP rs2135954318, ClinGen allele CA377918806.